The following is an entry in ClinVar:

ClinVar aggregate classification (germline): Conflicting classifications of pathogenicity. Review status: criteria provided, conflicting classifications (1 of 4 stars). 7 submissions from 7 submitters: Likely pathogenic (1); Uncertain significance (3). 3 of the submissions do not count toward it. Last evaluated 2025-09-16.

Conditions:
Microangiopathy and leukoencephalopathy, pontine, autosomal dominant. Also called: DEMENTIA, HEREDITARY MULTI-INFARCT, SWEDISH TYPE; Pontine autosomal dominant microangiopathy with leukoencephalopathy. Identifiers: Orphanet 477749, MedGen C5231411, MONDO:0032814, OMIM 618564.
Hemorrhage, intracerebral, susceptibility to (ICH). Also called: Stroke, hemorrhagic, susceptibility to. Identifiers: MedGen C3281105, MONDO:0100533, OMIM 614519.
Brain small vessel disease 1 with or without ocular anomalies (BSVD1). Also called: Brain small vessel disease with or without ocular anomalies; BRAIN SMALL VESSEL DISEASE WITH HEMORRHAGE; GOULD SYNDROME 1; PORENCEPHALY, TYPE 1, AUTOSOMAL DOMINANT. Identifiers: Orphanet 2940, Orphanet 36383, Orphanet 99810, MedGen C4755307, MONDO:0008289, OMIM 175780.
Autosomal dominant familial hematuria-retinal arteriolar tortuosity-contractures syndrome. Also called: Hereditary Angiopathy with Nephropathy, Aneurysms, and Muscle Cramps (HANAC) Syndrome; Angiopathy, hereditary, with nephropathy, aneurysms, and muscle cramps. Identifiers: Orphanet 73229, MedGen C2673195, MONDO:0012726, OMIM 611773.
Retinal arterial tortuosity. Also called: Retinal arteries, tortuosity of; RETINAL HEMORRHAGE WITH VASCULAR TORTUOSITY. Identifiers: Orphanet 75326, MedGen C0423401, MONDO:0008373, OMIM 180000, HP:0000631.
Congenital anomaly of kidney and urinary tract. Also called: Congenital anomalies of kidney and urinary tract; Congenital anomalies of the kidney and urinary tract. Identifiers: Orphanet 93545, MedGen C1968949, MeSH C566906, MONDO:0019719.

Allele frequency attached by ClinVar (database versions not stated): gnomAD exomes 0.00001; ExAC 0.00002; gnomAD 0.00002; TOPMed 0.00002.
gnomAD v4.1: 27 of 1,613,736 alleles (0.0017%); highest among the groups gnomAD compares: Middle Eastern, 0.033%; no homozygotes.

Submissions (7):

Labcorp Genetics (formerly Invitae), Labcorp
Classification: Uncertain significance. Last evaluated: 2025-09-16. Review status: criteria provided, single submitter. Criteria: Invitae Variant Classification Sherloc (09022015). Collection method: clinical testing. Allele origin: germline.
Comment: This sequence change replaces proline, which is neutral and non-polar, with serine, which is neutral and polar, at codon 603 of the COL4A1 protein (p.Pro603Ser). This variant is present in population databases (rs747585517, gnomAD 0.002%). This missense change has been observed in individual(s) with multi-cystic dysplastic kidney (PMID: 31230195). ClinVar contains an entry for this variant (Variation ID: 522668). Invitae Evidence Modeling of protein sequence and biophysical properties (such as structural, functional, and spatial information, amino acid conservation, physicochemical variation, residue mobility, and thermodynamic stability) indicates that this missense variant is not expected to disrupt COL4A1 protein function with a negative predictive value of 95%. In summary, the available evidence is currently insufficient to determine the role of this variant in disease. Therefore, it has been classified as a Variant of Uncertain Significance.

Fulgent Genetics
Classification: Uncertain significance for Brain small vessel disease 1 with or without ocular anomalies; Retinal arterial tortuosity; Autosomal dominant familial hematuria-retinal arteriolar tortuosity-contractures syndrome; Hemorrhage, intracerebral, susceptibility to; Microangiopathy and leukoencephalopathy, pontine, autosomal dominant. Last evaluated: 2023-12-28. Review status: criteria provided, single submitter. Criteria: ACMG Guidelines, 2015. Collection method: clinical testing. Allele origin: germline.

Department of Pathology and Laboratory Medicine, Sinai Health System
Classification: Uncertain significance for brain small vessel disease 1 with or without ocular anomalies. Last evaluated: 2022-02-28. Review status: criteria provided, single submitter. Criteria: ACMG Guidelines, 2015. Collection method: research. Allele origin: germline.

Genomic Research Center, Shahid Beheshti University of Medical Sciences
Classification: Likely pathogenic for Autosomal dominant familial hematuria-retinal arteriolar tortuosity-contractures syndrome. Last evaluated: 2017-12-03. Review status: criteria provided, single submitter. Criteria: ACMG Guidelines, 2015. Collection method: clinical testing. Allele origin: inherited. Affected: yes.

Yale Center for Mendelian Genomics, Yale University
Classification: Likely pathogenic for Congenital anomaly of kidney and urinary tract. Last evaluated: 2019-06-22. Review status: no assertion criteria provided. Collection method: literature only. Allele origin: germline. Affected: yes. Observed: 1 heterozygote. Study: Yale Center for Mendelian Genomics. Not counted in ClinVar's aggregate classification.

Diagnostic Laboratory, Department of Genetics, University Medical Center Groningen
Classification: Uncertain significance. Review status: no assertion criteria provided. Collection method: clinical testing. Allele origin: germline. Affected: yes. Study: VKGL Data-share Consensus. Not counted in ClinVar's aggregate classification.

Genome Diagnostics Laboratory, Amsterdam University Medical Center
Classification: Uncertain significance. Review status: no assertion criteria provided. Collection method: clinical testing. Allele origin: germline. Affected: yes. Study: VKGL Data-share Consensus. Not counted in ClinVar's aggregate classification.

Literature cited by the submitters: PubMed 31230195 (cited by Labcorp Genetics (formerly Invitae), Labcorp and Yale Center for Mendelian Genomics, Yale University).

NM_001845.6(COL4A1):c.1807C>T (p.Pro603Ser)

Gene: COL4A1 (collagen type IV alpha 1 chain; minus strand). Cytogenetic location: 13q34.
Variant type: single nucleotide variant.
Coding change: c.1807C>T on transcript NM_001845.6 (MANE Select); coding-DNA position 1807, C replaced by T.
Protein change: p.Pro603Ser; replaces proline 603 with serine.
Molecular consequence: missense variant.
Genome position (GRCh38, 1-based): chr13:110,186,475, G>A on the plus strand (C>T on the coding strand, the complement: COL4A1 is on the minus strand). VCF-style: chr13-110186475-G-A. GRCh37 (hg19) VCF-style: chr13-110838822-G-A.
Other names: short protein forms P603S.
Identifiers: ClinVar variation 522668 (VCV000522668.14), dbSNP rs747585517, ClinGen allele CA7047822.